The following is an entry in ClinVar:

NM_007294.4(BRCA1):c.4534A>G (p.Ser1512Gly)

Gene: BRCA1 (BRCA1 DNA repair associated; minus strand). Cytogenetic location: 17q21.31.
Variant type: single nucleotide variant.
Coding change: c.4534A>G on transcript NM_007294.4 (MANE Select); coding-DNA position 4534, A replaced by G.
Protein change: p.Ser1512Gly; replaces serine 1512 with glycine.
Molecular consequence: missense variant. On other transcripts: non-coding transcript variant (1).
Genome position (GRCh38, 1-based): chr17:43,074,472, T>C on the plus strand (A>G on the coding strand, the complement: BRCA1 is on the minus strand). VCF-style: chr17-43074472-T-C. GRCh37 (hg19) VCF-style: chr17-41226489-T-C.
Other names: c.1225A>G, p.Ser409Gly (NM_001407976.1, NM_001407977.1, NM_001407978.1 and 3 more transcripts); c.1222A>G, p.Ser408Gly (NM_001407979.1, NM_001407980.1, NM_001407981.1 and 13 more transcripts); c.1219A>G, p.Ser407Gly (NM_001408392.1, NM_001408396.1, NM_001408397.1 and 8 more transcripts); c.1216A>G, p.Ser406Gly (NM_001408406.1, NM_001408407.1, NM_001408408.1); c.1213A>G, p.Ser405Gly (NM_001408409.1); c.1150A>G, p.Ser384Gly (NM_001408410.1); c.1147A>G, p.Ser383Gly (NM_001408411.1); c.1144A>G, p.Ser382Gly (NM_001408412.1, NM_001408413.1, NM_001408414.1 and 2 more transcripts); and 68 more; short protein forms S1512G, S1465G, S1533G, S408G, S1216G, S1401G, S1445G, S1463G.
Identifiers: ClinVar variation 824982 (VCV000824982.9), dbSNP rs80357137, ClinGen allele CA10592449.

ClinVar aggregate classification (germline): Uncertain significance. Review status: criteria provided, multiple submitters, no conflicts (2 of 4 stars). 2 submissions from 2 submitters: Uncertain significance (2). Last evaluated 2024-10-31.

Conditions:
Hereditary cancer-predisposing syndrome. Also called: Neoplastic Syndromes, Hereditary; Tumor predisposition; Hereditary neoplastic syndrome; Hereditary Cancer Syndrome. Identifiers: Orphanet 140162, MedGen C0027672, MeSH D009386, MONDO:0015356.
Hereditary breast ovarian cancer syndrome. Also called: Hereditary breast and ovarian cancer syndrome; Hereditary breast and ovarian cancer; Hereditary breast and ovarian cancer syndrome (HBOC); Breast and ovarian cancer; Hereditary breast and/or ovarian cancer syndrome; BRCA1- and BRCA2-Associated Hereditary Breast and Ovarian Cancer. Identifiers: Orphanet 145, MedGen C0677776, MeSH D061325, MONDO:0003582. Disease mechanism: loss of function.

Submissions (2):

Labcorp Genetics (formerly Invitae), Labcorp
Classification: Uncertain significance for Hereditary breast ovarian cancer syndrome. Last evaluated: 2024-10-31. Review status: criteria provided, single submitter. Criteria: Invitae Variant Classification Sherloc (09022015). Collection method: clinical testing. Allele origin: germline.
Comment: This sequence change replaces serine, which is neutral and polar, with glycine, which is neutral and non-polar, at codon 1512 of the BRCA1 protein (p.Ser1512Gly). This variant is not present in population databases (gnomAD no frequency). This variant has not been reported in the literature in individuals affected with BRCA1-related conditions. ClinVar contains an entry for this variant (Variation ID: 824982). Invitae Evidence Modeling of protein sequence and biophysical properties (such as structural, functional, and spatial information, amino acid conservation, physicochemical variation, residue mobility, and thermodynamic stability) indicates that this missense variant is not expected to disrupt BRCA1 protein function with a negative predictive value of 95%. In summary, the available evidence is currently insufficient to determine the role of this variant in disease. Therefore, it has been classified as a Variant of Uncertain Significance.

Ambry Genetics
Classification: Uncertain significance for Hereditary cancer-predisposing syndrome. Last evaluated: 2024-10-21. Review status: criteria provided, single submitter. Criteria: Ambry Variant Classification Scheme 2023. Collection method: clinical testing. Allele origin: germline.
Comment: The p.S1512G variant (also known as c.4534A>G), located in coding exon 13 of the BRCA1 gene, results from an A to G substitution at nucleotide position 4534. The serine at codon 1512 is replaced by glycine, an amino acid with similar properties. This amino acid position is not well conserved in available vertebrate species. In addition, the in silico prediction for this alteration is inconclusive. Since supporting evidence is limited at this time, the clinical significance of this alteration remains unclear.